The following is an entry in ClinVar:

ClinVar aggregate classification (germline): Likely pathogenic (0 of 4 stars; one submission).

Conditions:
Neuronal ceroid lipofuscinosis 3 (CLN3). Identifiers: Orphanet 228346, MedGen C0751383, MONDO:0008767, OMIM 204200.

Submission:

Juha Muilu Group; Institute for Molecular Medicine Finland (FIMM)
Classification: Likely pathogenic for Juvenile neuronal ceroid lipofuscinosis. Review status: no assertion criteria provided. Collection method: not provided. Allele origin: unknown.
Comment: FinDis database variant: This variant was not found or characterized by our laboratory, data were collected from public sources: see reference
ClinVar note: Converted during submission from probable-pathogenic to Likely pathogenic.

NM_001042432.2(CLN3):c.482C>G (p.Ser161Ter)

Gene: CLN3 (CLN3 lysosomal/endosomal transmembrane protein, battenin; minus strand). Cytogenetic location: 16p12.1.
Variant type: single nucleotide variant.
Coding change: c.482C>G on transcript NM_001042432.2 (MANE Select); coding-DNA position 482, C replaced by G.
Protein change: p.Ser161Ter; replaces serine 161 with a stop codon.
Molecular consequence: nonsense.
Genome position (GRCh38, 1-based): chr16:28,486,629, G>C on the plus strand (C>G on the coding strand, the complement: CLN3 is on the minus strand). VCF-style: chr16-28486629-G-C. GRCh37 (hg19) VCF-style: chr16-28497950-G-C.
Other names: c.482C>G, p.Ser161Ter (NM_000086.2); c.410C>G, p.Ser137Ter (NM_001286104.2); c.182C>G, p.Ser61Ter (NM_001286105.2); c.248C>G, p.Ser83Ter (NM_001286109.2); c.320C>G, p.Ser107Ter (NM_001286110.2); short protein forms S161*, S107*, S61*, S83*, S137*.
Identifiers: ClinVar variation 56274 (VCV000056274.2), dbSNP rs386833724, ClinGen allele CA263681.